The following is an entry in ClinVar:

NM_000540.3(RYR1):c.251C>G (p.Thr84Arg)

Gene: RYR1 (ryanodine receptor 1; plus strand). Cytogenetic location: 19q13.2.
Variant type: single nucleotide variant.
Coding change: c.251C>G on transcript NM_000540.3 (MANE Select); coding-DNA position 251, C replaced by G.
Protein change: p.Thr84Arg; replaces threonine 84 with arginine.
Molecular consequence: missense variant.
Genome position (GRCh38, 1-based): chr19:38,442,434, C>G. VCF-style: chr19-38442434-C-G. GRCh37 (hg19) VCF-style: chr19-38933074-C-G.
Other names: c.251C>G, p.Thr84Arg (NM_001042723.2); short protein forms T84R.
Identifiers: ClinVar variation 430468 (VCV000430468.6), dbSNP rs186983396, ClinGen allele CA063366.

ClinVar aggregate classification (germline): Uncertain significance. Review status: criteria provided, multiple submitters, no conflicts (2 of 4 stars). 3 submissions from 3 submitters: Uncertain significance (3). Last evaluated 2022-02-08.

Conditions:
Congenital multicore myopathy with external ophthalmoplegia (CMYO1B). Also called: Congenital myopathy 1B, autosomal recessive; Minicore myopathy; MULTICORE MYOPATHY; Minicore myopathy with external ophthalmoplegia; MULTIMINICORE DISEASE WITH EXTERNAL OPHTHALMOPLEGIA. Identifiers: Orphanet 598, Orphanet 98905, MedGen C1850674, MONDO:0009712, OMIM 255320, HP:0003789.
Malignant hyperthermia, susceptibility to, 1 (MHS1). Also called: Anesthesia related hyperthermia; Malignant hyperpyrexia; Fulminating hyperpyrexia; Pharmacogenic myopathy; RYR1-Related Malignant Hyperthermia Susceptibility; Malignant hyperthermia suceptibility 1. Identifiers: Orphanet 423, MedGen C2930980, MONDO:0007783, OMIM 145600.
Congenital myopathy with fiber type disproportion. Also called: Congenital fiber-type disproportion myopathy; Congenital fiber-type disproportion. Identifiers: Orphanet 2020, MedGen C0546264, MONDO:0009711. Inheritance: all.
King Denborough syndrome (KDS). Identifiers: MedGen C1840365, MONDO:0020485, OMIM 619542.
Central core myopathy (CMYO1A). Also called: CONGENITAL MYOPATHY 1A, AUTOSOMAL DOMINANT, WITH SUSCEPTIBILITY TO MALIGNANT HYPERTHERMIA; Central core disease; Myopathy, central fibrillar. Identifiers: Orphanet 597, MedGen C5830701, MONDO:0007294, OMIM 117000.

gnomAD v4.1: 27 of 1,613,138 alleles (0.0017%); highest among the groups gnomAD compares: Non-Finnish European, 0.0023%; no homozygotes.

Submissions (3):

Revvity Omics, Revvity
Classification: Uncertain significance. Last evaluated: 2022-02-08. Review status: criteria provided, single submitter. Criteria: ACMG Guidelines, 2015. Collection method: clinical testing. Allele origin: germline.

Fulgent Genetics
Classification: Uncertain significance for Central core myopathy; Malignant hyperthermia, susceptibility to, 1; Congenital myopathy 4A, autosomal dominant; Congenital multicore myopathy with external ophthalmoplegia; King Denborough syndrome. Last evaluated: 2021-09-23. Review status: criteria provided, single submitter. Criteria: ACMG Guidelines, 2015. Collection method: clinical testing. Allele origin: unknown.

GeneDx
Classification: Uncertain significance. Last evaluated: 2017-05-18. Review status: criteria provided, single submitter. Criteria: GeneDx Variant Classification (06012015). Collection method: clinical testing. Allele origin: germline. Affected: yes.
Comment: A variant of uncertain significance has been identified in the RYR1 gene. The T84R variant has not been published as a pathogenic variant, nor has it been reported as a benign variant to our knowledge. The T84R variant is not observed at a significant frequency in large population cohorts (Lek et al., 2016; 1000 Genomes Consortium et al., 2015; Exome Variant Server). The T84R variant is a non-conservative amino acid substitution, which is likely to impact secondary protein structure as these residues differ in polarity, charge, size and/or other properties. This substitution occurs at a position that is conserved in mammals and in silico analysis predicts this variant is probably damaging to the protein structure/function. However, missense variants in nearby residues have been reported in Human Gene Mutation Database in association with RYR1-related disorders (Stenson et al., 2014). Therefore, based on the currently available information, it is unclear whether this variant is a pathogenic variant or a rare benign variant.